The following is an entry in ClinVar:

ClinVar aggregate classification (germline): Likely pathogenic. Review status: criteria provided, multiple submitters, no conflicts (2 of 4 stars). 4 submissions from 4 submitters: Likely pathogenic (4). Last evaluated 2026-04-17.

Conditions:
LZTR1-related schwannomatosis. Also called: Schwannomatosis 2; Schwannomatosis-2, susceptibility to. Identifiers: Orphanet 93921, MedGen C3810283, MONDO:0014299, OMIM 615670.
Hereditary cancer-predisposing syndrome. Also called: Hereditary Cancer Syndrome; Hereditary neoplastic syndrome; Neoplastic Syndromes, Hereditary; Tumor predisposition. Identifiers: Orphanet 140162, MedGen C0027672, MeSH D009386, MONDO:0015356.
Cardiovascular phenotype. Identifiers: MedGen CN230736.
Schwannomatosis. Identifiers: Orphanet 93921, MedGen C1335929, MeSH C536641, MONDO:0008075.

Allele frequency attached by ClinVar (database versions not stated): gnomAD exomes below 0.00001.
gnomAD v4.1: 5 of 1,614,112 alleles (0.00031%); highest among the groups gnomAD compares: Admixed American, 0.0017%; no homozygotes.

Submissions (4):

Women's Health and Genetics/Laboratory Corporation of America, LabCorp
Classification: Likely pathogenic for Schwannomatosis. Last evaluated: 2026-04-17. Review status: criteria provided, single submitter. Criteria: LabCorp Variant Classification Summary - May 2015. Collection method: clinical testing. Allele origin: germline.
Comment: Variant summary: LZTR1 c.320+1G>A is located in a canonical splice-site and is predicted to affect mRNA splicing resulting in a significantly altered protein due to either exon skipping, shortening, or inclusion of intronic material. Variants that disrupt the consensus splice site are a relatively common cause of aberrant splicing and loss of LZTR1 function. Several computational tools predict a significant impact on normal splicing: Five predict the variant abolishes a 5' splicing donor site. However, these predictions have yet to be confirmed by functional studies. The variant allele was found at a frequency of 4e-06 in 251202 control chromosomes. To our knowledge, no occurrence of c.320+1G>A in individuals affected with LZTR1-related conditions and no experimental evidence demonstrating its impact on protein function have been reported. ClinVar contains an entry for this variant (Variation ID: 1343619). Based on the evidence outlined above, the variant was classified as likely pathogenic for LZTR1-related conditions (AD Schwannomatosis, AD Noonan Syndrome, AR Noonan Syndrome).

Ambry Genetics
Classification: Likely pathogenic for Cardiovascular phenotype; Hereditary cancer-predisposing syndrome. Last evaluated: 2025-11-18. Review status: criteria provided, single submitter. Criteria: Ambry Variant Classification Scheme 2023. Collection method: clinical testing. Allele origin: germline.
Comment: The c.320+1G>A intronic variant results from a G to A substitution one nucleotide after coding exon 3 of the LZTR1 gene. Alterations that disrupt the canonical splice site are expected to result in aberrant splicing. In silico splice site analysis predicts that this alteration will weaken the native splice donor site; however, direct evidence is insufficient at this time (Ambry internal data). The resulting transcript is predicted to be in-frame and is not expected to trigger nonsense-mediated mRNAdecay. The exact functional effect of the altered amino acid sequence is unknown; however, the impacted region is critical for protein function (Ambry internal data). This nucleotide position is highly conserved in available vertebrate species. Based on the supporting evidence, this variant is likely pathogenic for an increased risk of nerve sheath tumors and would be expected to cause autosomal recessive Noonan syndrome when present along with a second pathogenic or likely pathogenic variant on the other allele.

Labcorp Genetics (formerly Invitae), Labcorp
Classification: Likely pathogenic. Last evaluated: 2025-09-23. Review status: criteria provided, single submitter. Criteria: Invitae Variant Classification Sherloc (09022015). Collection method: clinical testing. Allele origin: germline.
Comment: This sequence change affects a donor splice site in intron 3 of the LZTR1 gene. It is expected to disrupt RNA splicing. Variants that disrupt the donor or acceptor splice site typically lead to a loss of protein function (PMID: 16199547), and loss-of-function variants in LZTR1 are known to be pathogenic (PMID: 24362817, 25335493, 25480913, 25795793, 29469822, 30368668, 30442762, 30442766, 30481304, 30859559). This variant is present in population databases (no rsID available, gnomAD 0.003%). This variant has not been reported in the literature in individuals affected with LZTR1-related conditions. ClinVar contains an entry for this variant (Variation ID: 1343619). Algorithms developed to predict the effect of sequence changes on RNA splicing suggest that this variant may disrupt the consensus splice site. In summary, the currently available evidence indicates that the variant is pathogenic, but additional data are needed to prove that conclusively. Therefore, this variant has been classified as Likely Pathogenic.

Baylor Genetics
Classification: Likely pathogenic for LZTR1-related schwannomatosis. Last evaluated: 2023-10-27. Review status: criteria provided, single submitter. Criteria: ACMG Guidelines, 2015. Collection method: clinical testing. Allele origin: unknown.

Literature cited by the submitters: PubMed 16199547 (cited by Labcorp Genetics (formerly Invitae), Labcorp); PubMed 24362817 (cited by Labcorp Genetics (formerly Invitae), Labcorp); PubMed 25335493 (cited by Labcorp Genetics (formerly Invitae), Labcorp); PubMed 25480913 (cited by Labcorp Genetics (formerly Invitae), Labcorp); PubMed 25795793 (cited by Labcorp Genetics (formerly Invitae), Labcorp); PubMed 29469822 (cited by Labcorp Genetics (formerly Invitae), Labcorp); PubMed 30368668 (cited by Labcorp Genetics (formerly Invitae), Labcorp); PubMed 30442762 (cited by Labcorp Genetics (formerly Invitae), Labcorp); PubMed 30442766 (cited by Labcorp Genetics (formerly Invitae), Labcorp); PubMed 30481304 (cited by Labcorp Genetics (formerly Invitae), Labcorp); PubMed 30859559 (cited by Labcorp Genetics (formerly Invitae), Labcorp).

NM_006767.4(LZTR1):c.320+1G>A

Gene: LZTR1 (leucine zipper like post translational regulator 1; plus strand). Cytogenetic location: 22q11.21.
Variant type: single nucleotide variant.
Coding change: c.320+1G>A on transcript NM_006767.4 (MANE Select); the canonical splice donor site of the intron after coding-DNA position 320, G replaced by A.
Molecular consequence: splice donor variant.
Genome position (GRCh38, 1-based): chr22:20,985,898, G>A. VCF-style: chr22-20985898-G-A. GRCh37 (hg19) VCF-style: chr22-21340187-G-A.
Identifiers: ClinVar variation 1343619 (VCV001343619.13), dbSNP rs943939913, ClinGen allele CA322321256.